The following is an entry in ClinVar:

ClinVar aggregate classification (germline): Uncertain significance (1 of 4 stars; one submission).

Submission:

Labcorp Genetics (formerly Invitae), Labcorp
Classification: Uncertain significance. Last evaluated: 2022-09-13. Review status: criteria provided, single submitter. Criteria: Invitae Variant Classification Sherloc (09022015). Collection method: clinical testing. Allele origin: germline.
Comment: In summary, the available evidence is currently insufficient to determine the role of this variant in disease. Therefore, it has been classified as a Variant of Uncertain Significance. Experimental studies and prediction algorithms are not available or were not evaluated, and the functional significance of this variant is currently unknown. This variant has not been reported in the literature in individuals affected with TMEM132E-related conditions. A gross deletion of the genomic region encompassing the full coding sequence of the TMEM132E gene has been identified. The current clinical and genetic evidence is not sufficient to establish whether loss-of-function variants in TMEM132E cause disease. The boundaries of this event are unknown as they extend beyond the assayed region for this gene and therefore may encompass additional genes.

NC_000017.10:g.(?_32908096)_(32965251_?)del

Gene: TMEM132E (transmembrane protein 132E; plus strand). Cytogenetic location: 17q12.
Variant type: Deletion.
Identifiers: ClinVar variation 1410416 (VCV001410416.5).